The following is an entry in ClinVar:

ClinVar aggregate classification (germline): Uncertain significance (1 of 4 stars; one submission).

Conditions:
Familial adenomatous polyposis 2. Also called: MUTYH Polyposis; COLORECTAL ADENOMATOUS POLYPOSIS, AUTOSOMAL RECESSIVE; ADENOMAS, MULTIPLE COLORECTAL, AUTOSOMAL RECESSIVE; MUTYH-associated polyposis; MYH-associated polyposis; MUTYH-related attenuated familial adenomatous polyposis. Identifiers: Orphanet 220460, Orphanet 247798, MedGen C3272841, MONDO:0012041, OMIM 608456.

Submission:

Labcorp Genetics (formerly Invitae), Labcorp
Classification: Uncertain significance for Familial adenomatous polyposis 2. Last evaluated: 2024-03-27. Review status: criteria provided, single submitter. Criteria: Invitae Variant Classification Sherloc (09022015). Collection method: clinical testing. Allele origin: germline.
Comment: This sequence change replaces leucine, which is neutral and non-polar, with valine, which is neutral and non-polar, at codon 262 of the MUTYH protein (p.Leu262Val). RNA analysis indicates that this missense change induces altered splicing and may result in an absent or disrupted protein product. This variant is not present in population databases (gnomAD no frequency). This variant has not been reported in the literature in individuals affected with MUTYH-related conditions. ClinVar contains an entry for this variant (Variation ID: 2107339). An algorithm developed to predict the effect of missense changes on protein structure and function (PolyPhen-2) suggests that this variant is likely to be disruptive. Studies have shown that this missense change results in activation of a cryptic splice site and introduces a premature termination codon (Invitae). The resulting mRNA is expected to undergo nonsense-mediated decay. In summary, the available evidence is currently insufficient to determine the role of this variant in disease. Therefore, it has been classified as a Variant of Uncertain Significance.

NM_001048174.2(MUTYH):c.700C>G (p.Leu234Val)

Gene: MUTYH (mutY DNA glycosylase; minus strand). Cytogenetic location: 1p34.1.
Variant type: single nucleotide variant.
Coding change: c.700C>G on transcript NM_001048174.2 (MANE Select); coding-DNA position 700, C replaced by G.
Protein change: p.Leu234Val; replaces leucine 234 with valine.
Molecular consequence: missense variant. On other transcripts: non-coding transcript variant (2).
Genome position (GRCh38, 1-based): chr1:45,332,395, G>C on the plus strand (C>G on the coding strand, the complement: MUTYH is on the minus strand). VCF-style: chr1-45332395-G-C. GRCh37 (hg19) VCF-style: chr1-45798067-G-C.
Other names: c.733C>G, p.Leu245Val (NM_001407069.1, NM_001407077.1, NM_001293191.2); c.700C>G, p.Leu234Val (NM_001407070.1, NM_001407072.1, NM_001407073.1 and 6 more transcripts); c.703C>G, p.Leu235Val (NM_001407071.1, NM_001407078.1, NM_001048172.2 and 1 more transcripts); c.616C>G, p.Leu206Val (NM_001407075.1); c.661C>G, p.Leu221Val (NM_001407079.1); c.658C>G, p.Leu220Val (NM_001407080.1); c.784C>G, p.Leu262Val (NM_001128425.2); c.745C>G, p.Leu249Val (NM_001293190.2); and 5 more; short protein forms L142V, L249V, L241V, L206V, L220V, L245V, L119V, L221V.
Identifiers: ClinVar variation 2107339 (VCV002107339.4), dbSNP rs2149142847, ClinGen allele CA340134754.